The following is an entry in ClinVar:

ClinVar aggregate classification (germline): Likely benign. Review status: criteria provided, single submitter (1 of 4 stars). 2 submissions from 2 submitters: Likely benign (1). 1 of the submissions does not count toward it. Last evaluated 2023-12-09.

Conditions:
Hereditary spastic paraplegia 49 (HSAN9). Also called: TECPR2-Related Hereditary Sensory and Autonomic Neuropathy with Intellectual Disability; NEUROPATHY, HEREDITARY SENSORY AND AUTONOMIC, TYPE IX, WITH DEVELOPMENTAL DELAY; Spastic paraplegia 49, autosomal recessive. Identifiers: Orphanet 320385, MedGen C5190860, MONDO:0014016, OMIM 615031.
TECPR2-related disorder. Also called: TECPR2-related condition.

Allele frequency attached by ClinVar (database versions not stated): gnomAD exomes below 0.00001; TOPMed below 0.00001.
gnomAD v4.1: 2 of 1,614,216 alleles (0.00012%); highest among the groups gnomAD compares: Admixed American, 0.0033%; no homozygotes.

Submissions (2):

Labcorp Genetics (formerly Invitae), Labcorp
Classification: Likely benign for Hereditary spastic paraplegia 49. Last evaluated: 2023-12-09. Review status: criteria provided, single submitter. Criteria: Invitae Variant Classification Sherloc (09022015). Collection method: clinical testing. Allele origin: germline.

PreventionGenetics, part of Exact Sciences
Classification: Likely benign for TECPR2-related condition. Last evaluated: 2019-07-15. Review status: no assertion criteria provided. Collection method: clinical testing. Allele origin: germline. Not counted in ClinVar's aggregate classification.
Comment: This variant is classified as likely benign based on ACMG/AMP sequence variant interpretation guidelines (Richards et al. 2015 PMID: 25741868, with internal and published modifications).

NM_014844.5(TECPR2):c.24T>C (p.Val8=)

Gene: TECPR2 (tectonin beta-propeller repeat containing 2; plus strand). Cytogenetic location: 14q32.31.
Variant type: single nucleotide variant.
Coding change: c.24T>C on transcript NM_014844.5 (MANE Select); coding-DNA position 24, T replaced by C.
Protein change: p.Val8=; no amino-acid change (valine 8 retained).
Molecular consequence: synonymous variant.
Genome position (GRCh38, 1-based): chr14:102,376,745, T>C. VCF-style: chr14-102376745-T-C. GRCh37 (hg19) VCF-style: chr14-102843082-T-C.
Other names: c.24T>C (NM_014844.4); c.24T>C, p.Val8= (NM_001172631.3).
Identifiers: ClinVar variation 1125867 (VCV001125867.11), dbSNP rs1245523859, ClinGen allele CA488190098.